The following is an entry in ClinVar:

NM_005876.5(SPEG):c.6697C>T (p.Gln2233Ter)

Genes: ASIC4-AS1 (ASIC4 antisense RNA 1; minus strand), SPEG (striated muscle enriched protein kinase; plus strand). Cytogenetic location: 2q35.
Variant type: single nucleotide variant.
Coding change: c.6697C>T on transcript NM_005876.5 (MANE Select); coding-DNA position 6697, C replaced by T.
Protein change: p.Gln2233Ter; replaces glutamine 2233 with a stop codon.
Molecular consequence: nonsense.
Genome position (GRCh38, 1-based): chr2:219,484,160, C>T. VCF-style: chr2-219484160-C-T. GRCh37 (hg19) VCF-style: chr2-220348882-C-T.
Other names: short protein forms Q2233*.
Identifiers: ClinVar variation 144077 (VCV000144077.4), dbSNP rs587777672, ClinGen allele CA170640.

ClinVar aggregate classification (germline): Pathogenic/Likely pathogenic. Review status: criteria provided, multiple submitters, no conflicts (2 of 4 stars). 3 submissions from 3 submitters: Pathogenic (1); Likely pathogenic (1). 1 of the submissions does not count toward it. Last evaluated 2024-09-19.

Conditions:
Myopathy, centronuclear, 5 (CNM5). Identifiers: Orphanet 169186, MedGen C4014814, MONDO:0014418, OMIM 615959.

Submissions (3):

Labcorp Genetics (formerly Invitae), Labcorp
Classification: Pathogenic. Last evaluated: 2024-09-19. Review status: criteria provided, single submitter. Criteria: Invitae Variant Classification Sherloc (09022015). Collection method: clinical testing. Allele origin: germline.
Comment: This sequence change creates a premature translational stop signal (p.Gln2233*) in the SPEG gene. It is expected to result in an absent or disrupted protein product. Loss-of-function variants in SPEG are known to be pathogenic (PMID: 19118250, 25087613). This variant is not present in population databases (gnomAD no frequency). This premature translational stop signal has been observed in individual(s) with centronuclear myopathy (PMID: 25087613). ClinVar contains an entry for this variant (Variation ID: 144077). For these reasons, this variant has been classified as Pathogenic.

Fulgent Genetics
Classification: Likely pathogenic for Myopathy, centronuclear, 5. Last evaluated: 2021-07-19. Review status: criteria provided, single submitter. Criteria: ACMG Guidelines, 2015. Collection method: clinical testing. Allele origin: unknown.

OMIM
Classification: Pathogenic for CENTRONUCLEAR MYOPATHY 5. Last evaluated: 2014-08-07. Review status: no assertion criteria provided. Collection method: literature only. Allele origin: germline. Not counted in ClinVar's aggregate classification.

Literature cited by the submitters: PubMed 19118250 (cited by Labcorp Genetics (formerly Invitae), Labcorp); PubMed 25087613 (cited by Labcorp Genetics (formerly Invitae), Labcorp and OMIM).